The following is an entry in ClinVar:

NM_002907.4(RECQL):c.806T>C (p.Leu269Ser)

Gene: RECQL (RecQ like helicase; minus strand). Cytogenetic location: 12p12.1.
Variant type: single nucleotide variant.
Coding change: c.806T>C on transcript NM_002907.4 (MANE Select); coding-DNA position 806, T replaced by C.
Protein change: p.Leu269Ser; replaces leucine 269 with serine.
Molecular consequence: missense variant.
Genome position (GRCh38, 1-based): chr12:21,477,864, A>G on the plus strand (T>C on the coding strand, the complement: RECQL is on the minus strand). VCF-style: chr12-21477864-A-G. GRCh37 (hg19) VCF-style: chr12-21630798-A-G.
Other names: c.806T>C, p.Leu269Ser (NM_032941.3); short protein forms L269S.
Identifiers: ClinVar variation 4863101 (VCV004863101.1).

ClinVar aggregate classification (germline): Uncertain significance (1 of 4 stars; one submission).

Submission:

Ambry Genetics
Classification: Uncertain significance. Last evaluated: 2026-04-25. Review status: criteria provided, single submitter. Criteria: Ambry Variant Classification Scheme 2023. Collection method: clinical testing. Allele origin: germline.
Comment: The p.L269S variant (also known as c.806T>C), located in coding exon 6 of the RECQL gene, results from a T to C substitution at nucleotide position 806. The leucine at codon 269 is replaced by serine, an amino acid with dissimilar properties. This amino acid position is conserved. In addition, this alteration is predicted to be deleterious by in silico analysis. Based on the available evidence, the clinical significance of this variant remains unclear.